The following is an entry in ClinVar:

ClinVar aggregate classification (germline): Uncertain significance. Review status: criteria provided, multiple submitters, no conflicts (2 of 4 stars). 2 submissions from 2 submitters: Uncertain significance (2). Last evaluated 2025-07-02.

Conditions:
Menkes kinky-hair syndrome (MNK). Also called: Copper transport disease; Classic Menkes Disease; Menkes Disease. Identifiers: Orphanet 565, MedGen C0022716, MONDO:0010651, OMIM 309400.
X-linked distal spinal muscular atrophy type 3. Also called: SPINAL MUSCULAR ATROPHY, DISTAL, X-LINKED RECESSIVE; ATP7A-Related Distal Motor Neuropathy; NEURONOPATHY, DISTAL HEREDITARY MOTOR, X-LINKED; NEUROPATHY, DISTAL HEREDITARY MOTOR, X-LINKED. Identifiers: Orphanet 139557, MedGen C1845359, MONDO:0010338, OMIM 300489.
Cutis laxa, X-linked (OHS). Also called: EDS IX; Occipital horn syndrome. Identifiers: Orphanet 198, MedGen C0268353, MONDO:0010572, OMIM 304150.
Inborn genetic diseases. Identifiers: MedGen C0950123, MeSH D030342.

Submissions (2):

Ambry Genetics
Classification: Uncertain significance for Inborn genetic diseases. Last evaluated: 2025-07-02. Review status: criteria provided, single submitter. Criteria: Ambry Variant Classification Scheme 2023. Collection method: clinical testing. Allele origin: germline.

Labcorp Genetics (formerly Invitae), Labcorp
Classification: Uncertain significance for X-linked distal spinal muscular atrophy type 3; Cutis laxa, X-linked; Menkes kinky-hair syndrome. Last evaluated: 2025-02-13. Review status: criteria provided, single submitter. Criteria: Invitae Variant Classification Sherloc (09022015). Collection method: clinical testing. Allele origin: germline.
Comment: This sequence change replaces aspartic acid, which is acidic and polar, with glutamic acid, which is acidic and polar, at codon 480 of the ATP7A protein (p.Asp480Glu). This variant is not present in population databases (gnomAD no frequency). This variant has not been reported in the literature in individuals affected with ATP7A-related conditions. Invitae Evidence Modeling of protein sequence and biophysical properties (such as structural, functional, and spatial information, amino acid conservation, physicochemical variation, residue mobility, and thermodynamic stability) indicates that this missense variant is not expected to disrupt ATP7A protein function with a negative predictive value of 95%. In summary, the available evidence is currently insufficient to determine the role of this variant in disease. Therefore, it has been classified as a Variant of Uncertain Significance.

NM_000052.7(ATP7A):c.1440C>G (p.Asp480Glu)

Gene: ATP7A (ATPase copper transporting alpha; plus strand). Cytogenetic location: Xq21.1.
Variant type: single nucleotide variant.
Coding change: c.1440C>G on transcript NM_000052.7 (MANE Select); coding-DNA position 1440, C replaced by G.
Protein change: p.Asp480Glu; replaces aspartic acid 480 with glutamic acid.
Molecular consequence: missense variant.
Genome position (GRCh38, 1-based): chrX:77,998,581, C>G. VCF-style: chrX-77998581-C-G. GRCh37 (hg19) VCF-style: chrX-77254078-C-G.
Other names: c.1440C>G, p.Asp480Glu (NM_001282224.2); short protein forms D480E.
Identifiers: ClinVar variation 4179396 (VCV004179396.2).